The following is an entry in ClinVar:

NM_012114.3(CASP14):c.225G>C (p.Arg75=)

Gene: CASP14 (caspase 14; plus strand). Cytogenetic location: 19p13.12.
Variant type: single nucleotide variant.
Coding change: c.225G>C on transcript NM_012114.3 (MANE Select); coding-DNA position 225, G replaced by C.
Protein change: p.Arg75=; no amino-acid change (arginine 75 retained).
Molecular consequence: synonymous variant.
Genome position (GRCh38, 1-based): chr19:15,053,780, G>C. VCF-style: chr19-15053780-G-C. GRCh37 (hg19) VCF-style: chr19-15164591-G-C.
Identifiers: ClinVar variation 3040425 (VCV003040425.2), dbSNP rs61731992, ClinGen allele CA9260664.

ClinVar aggregate classification (germline): Benign (0 of 4 stars; one submission).

Conditions:
CASP14-related disorder. Also called: CASP14-related condition.

Allele frequency attached by ClinVar (database versions not stated): 1000 Genomes Project 30x 0.00016; 1000 Genomes Project 0.00020; gnomAD exomes 0.00038; gnomAD 0.00044; TOPMed 0.00053; ExAC 0.00064; ESP Exome Variant Server 0.00077.

Submission:

PreventionGenetics, part of Exact Sciences
Classification: Benign for CASP14-related condition. Last evaluated: 2019-10-28. Review status: no assertion criteria provided. Collection method: clinical testing. Allele origin: germline.
Comment: This variant is classified as benign based on ACMG/AMP sequence variant interpretation guidelines (Richards et al. 2015 PMID: 25741868, with internal and published modifications).